The following is an entry in ClinVar:

NM_014915.3(ANKRD26):c.3047C>T (p.Ala1016Val)

Gene: ANKRD26 (ankyrin repeat domain containing 26; minus strand). Cytogenetic location: 10p12.1.
Variant type: single nucleotide variant.
Coding change: c.3047C>T on transcript NM_014915.3 (MANE Select); coding-DNA position 3047, C replaced by T.
Protein change: p.Ala1016Val; replaces alanine 1016 with valine.
Molecular consequence: missense variant.
Genome position (GRCh38, 1-based): chr10:27,035,403, G>A on the plus strand (C>T on the coding strand, the complement: ANKRD26 is on the minus strand). VCF-style: chr10-27035403-G-A. GRCh37 (hg19) VCF-style: chr10-27324332-G-A.
Other names: c.3044C>T, p.Ala1015Val (NM_001256053.2); short protein forms A1015V, A1016V.
Identifiers: ClinVar variation 4103078 (VCV004103078.1).

ClinVar aggregate classification (germline): Uncertain significance (1 of 4 stars; one submission).

Conditions:
Inborn genetic diseases. Identifiers: MedGen C0950123, MeSH D030342.

gnomAD v4.1: 1 of 1,613,846 alleles (0.000062%); highest among the groups gnomAD compares: African/African-American, 0.0013%; no homozygotes.

Submission:

Ambry Genetics
Classification: Uncertain significance for Inborn genetic diseases. Last evaluated: 2025-06-27. Review status: criteria provided, single submitter. Criteria: Ambry Variant Classification Scheme 2023. Collection method: clinical testing. Allele origin: germline.
Comment: The p.A1016V variant (also known as c.3047C>T), located in coding exon 24 of the ANKRD26 gene, results from a C to T substitution at nucleotide position 3047. The alanine at codon 1016 is replaced by valine, an amino acid with similar properties. This amino acid position is conserved. In addition, this alteration is predicted to be tolerated by in silico analysis. Based on the available evidence, the clinical significance of this variant remains unclear.